The following is an entry in ClinVar:

NM_001375380.1(EBF3):c.1172_1177del (p.Tyr391_Met393delinsLeu)

Gene: EBF3 (EBF transcription factor 3; minus strand). Cytogenetic location: 10q26.3.
Variant type: Deletion.
Coding change: c.1172_1177del on transcript NM_001375380.1 (MANE Select); coding-DNA positions 1172 to 1177, 6 bases deleted (ACGGAA; older notation c.1172_1177delACGGAA).
Protein change: p.Tyr391_Met393delinsLeu.
Molecular consequence: inframe indel.
Genome position (GRCh38, 1-based): chr10:129,843,154-129,843,159, TTCCGT deleted on the plus strand (ACGGAA on the coding strand, the reverse complement: EBF3 is on the minus strand). VCF-style (leftmost placement, unchanged base first): chr10-129843153-ATTCCGT-A. GRCh37 (hg19) VCF-style: chr10-131641417-ATTCCGT-A.
Other names: c.1145_1150del, p.Tyr382_Met384delinsLeu (NM_001005463.3, NM_001375390.1, NM_001375392.1); c.1172_1177del, p.Tyr391_Met393delinsLeu (NM_001375379.1, NM_001375389.1, NM_001375391.1).
Identifiers: ClinVar variation 2258072 (VCV002258072.2), dbSNP rs2493774500, ClinGen allele CA2580082472.

ClinVar aggregate classification (germline): Uncertain significance (1 of 4 stars; one submission).

Conditions:
Inborn genetic diseases. Identifiers: MedGen C0950123, MeSH D030342.

Submission:

Ambry Genetics
Classification: Uncertain significance for Inborn genetic diseases. Last evaluated: 2021-12-07. Review status: criteria provided, single submitter. Criteria: Ambry Variant Classification Scheme 2023. Collection method: clinical testing. Allele origin: germline.
Comment: The c.1145_1150delACGGAA (p.Y382_M384delinsL) alteration is located in exon 12 (coding exon 12) of the EBF3 gene. This alteration consists of an in-frame deletion of 6 nucleotides between nucleotide positions c.1145 and c.1150, resulting in the deletion of 2 residues. Based on insufficient or conflicting evidence, the clinical significance of this alteration remains unclear.